The following is an entry in ClinVar:

ClinVar aggregate classification (germline): Benign (1 of 4 stars; one submission).

Allele frequency attached by ClinVar (database versions not stated): gnomAD 0.60969 and 0.61121; TOPMed 0.61356; 1000 Genomes Project 30x 0.63585; 1000 Genomes Project 0.63638.
gnomAD v4.1: 92,922 of 152,066 alleles (61%); highest among the groups gnomAD compares: East Asian, 66%; 28,430 homozygotes.

Submission:

GeneDx
Classification: Benign. Last evaluated: 2018-06-19. Review status: criteria provided, single submitter. Criteria: GeneDx Variant Classification (06012015). Collection method: clinical testing. Allele origin: germline. Affected: yes.
Comment: This variant is considered likely benign or benign based on one or more of the following criteria: it is a conservative change, it occurs at a poorly conserved position in the protein, it is predicted to be benign by multiple in silico algorithms, and/or has population frequency not consistent with disease.

NM_006420.3(ARFGEF2):c.907+264T>A

Gene: ARFGEF2 (ARF guanine nucleotide exchange factor 2; plus strand). Cytogenetic location: 20q13.13.
Variant type: single nucleotide variant.
Coding change: c.907+264T>A on transcript NM_006420.3 (MANE Select); 264 bases into the intron after coding-DNA position 907, T replaced by A.
Molecular consequence: intron variant.
Genome position (GRCh38, 1-based): chr20:48,964,162, T>A. VCF-style: chr20-48964162-T-A. GRCh37 (hg19) VCF-style: chr20-47580699-T-A.
Identifiers: ClinVar variation 667987 (VCV000667987.1), dbSNP rs4809736, ClinGen allele CA14824949.